The following is an entry in ClinVar:

ClinVar aggregate classification (germline): Uncertain significance (1 of 4 stars; one submission).

Submission:

Ambry Genetics
Classification: Uncertain significance. Last evaluated: 2024-12-19. Review status: criteria provided, single submitter. Criteria: Ambry Variant Classification Scheme 2023. Collection method: clinical testing. Allele origin: germline.
Comment: The p.K203E variant (also known as c.607A>G), located in coding exon 1 of the TET2 gene, results from an A to G substitution at nucleotide position 607. The lysine at codon 203 is replaced by glutamic acid, an amino acid with similar properties. This amino acid position is conserved. In addition, this alteration is predicted to be tolerated by in silico analysis. Based on the available evidence, the clinical significance of this variant remains unclear.

NM_001127208.3(TET2):c.607A>G (p.Lys203Glu)

Genes: TET2 (tet methylcytosine dioxygenase 2; plus strand), TET2-AS1 (TET2 antisense RNA 1; minus strand). Cytogenetic location: 4q24.
Variant type: single nucleotide variant.
Coding change: c.607A>G on transcript NM_001127208.3 (MANE Select); coding-DNA position 607, A replaced by G.
Protein change: p.Lys203Glu; replaces lysine 203 with glutamic acid.
Molecular consequence: missense variant.
Genome position (GRCh38, 1-based): chr4:105,234,549, A>G. VCF-style: chr4-105234549-A-G. GRCh37 (hg19) VCF-style: chr4-106155706-A-G.
Other names: c.607A>G, p.Lys203Glu (NM_017628.4); short protein forms K203E.
Identifiers: ClinVar variation 3805874 (VCV003805874.1).